The following is an entry in ClinVar:

ClinVar aggregate classification (germline): Benign/Likely benign. Review status: criteria provided, multiple submitters, no conflicts (2 of 4 stars). 6 submissions from 6 submitters: Benign (3); Likely benign (3). Last evaluated 2026-04-01.

Conditions:
Hereditary sensory and autonomic neuropathy type 7. Also called: Neuropathy, hereditary sensory and autonomic, type VII; HSAN VII. Identifiers: Orphanet 391397, MedGen C3809882, MONDO:0014244, OMIM 615548.
Familial episodic pain syndrome with predominantly lower limb involvement. Also called: Episodic pain syndrome, familial, 3. Identifiers: Orphanet 391384, Orphanet 391392, MedGen C3809899, MONDO:0014247, OMIM 615552.
Inborn genetic diseases. Identifiers: MedGen C0950123, MeSH D030342.

Allele frequency attached by ClinVar (database versions not stated): TOPMed 0.00119; gnomAD 0.00129 and 0.00135; 1000 Genomes Project 0.00160; ESP Exome Variant Server 0.00169; 1000 Genomes Project 30x 0.00250.
gnomAD v4.1: 456 of 1,613,944 alleles (0.028%); highest among the groups gnomAD compares: African/African-American, 0.37%; no homozygotes.

Submissions (6):

CeGaT Center for Human Genetics Tuebingen
Classification: Likely benign. Last evaluated: 2026-04-01. Review status: criteria provided, single submitter. Criteria: CeGaT Center For Human Genetics Tuebingen Variant Classification Criteria Version 2. Collection method: clinical testing. Allele origin: germline. Affected: yes. Observed: 2 variant alleles.
Comment: SCN11A: BS1

Labcorp Genetics (formerly Invitae), Labcorp
Classification: Benign for Familial episodic pain syndrome with predominantly lower limb involvement; Hereditary sensory and autonomic neuropathy type 7. Last evaluated: 2026-01-19. Review status: criteria provided, single submitter. Criteria: Invitae Variant Classification Sherloc (09022015). Collection method: clinical testing. Allele origin: germline.

Mayo Clinic Laboratories, Mayo Clinic
Classification: Benign. Last evaluated: 2024-10-04. Review status: criteria provided, single submitter. Criteria: ACMG Guidelines, 2015. Collection method: clinical testing. Allele origin: germline. Observed: 1 variant allele.
Comment: BS1, BS2

Blueprint Genetics
Classification: Likely benign. Last evaluated: 2024-09-24. Review status: criteria provided, single submitter. Criteria: ACMG Guidelines, 2015. Collection method: clinical testing. Allele origin: germline.

Ambry Genetics
Classification: Likely benign for Inborn genetic diseases. Last evaluated: 2020-10-15. Review status: criteria provided, single submitter. Criteria: Ambry Variant Classification Scheme 2023. Collection method: clinical testing. Allele origin: germline.

Breakthrough Genomics
Classification: Benign. Review status: criteria provided, single submitter. Criteria: ACMG Guidelines, 2015. Collection method: not provided. Allele origin: germline. Inheritance: Autosomal dominant inheritance. Affected: yes.

NM_001349253.2(SCN11A):c.1109G>A (p.Arg370His)

Gene: SCN11A (sodium voltage-gated channel alpha subunit 11; minus strand). Cytogenetic location: 3p22.2.
Variant type: single nucleotide variant.
Coding change: c.1109G>A on transcript NM_001349253.2 (MANE Select); coding-DNA position 1109, G replaced by A.
Protein change: p.Arg370His; replaces arginine 370 with histidine.
Molecular consequence: missense variant.
Genome position (GRCh38, 1-based): chr3:38,909,187, C>T on the plus strand (G>A on the coding strand, the complement: SCN11A is on the minus strand). VCF-style: chr3-38909187-C-T. GRCh37 (hg19) VCF-style: chr3-38950678-C-T.
Other names: p.Arg370His; c.1109G>A, p.Arg370His (NM_014139.3); short protein forms R370H.
Identifiers: ClinVar variation 541603 (VCV000541603.22), dbSNP rs138034948, ClinGen allele CA2322389.